The following is an entry in ClinVar:

ClinVar aggregate classification (germline): Uncertain significance. Review status: criteria provided, multiple submitters, no conflicts (2 of 4 stars). 3 submissions from 3 submitters: Uncertain significance (3). Last evaluated 2025-06-23.

Conditions:
Cardiovascular phenotype. Identifiers: MedGen CN230736.

Allele frequency attached by ClinVar (database versions not stated): TOPMed 0.00001; gnomAD 0.00001; gnomAD exomes 0.00001 and below 0.00001.
gnomAD v4.1: 6 of 1,612,268 alleles (0.00037%); highest among the groups gnomAD compares: African/African-American, 0.0013%; no homozygotes.

Submissions (3):

Revvity Omics, Revvity
Classification: Uncertain significance. Last evaluated: 2025-06-23. Review status: criteria provided, single submitter. Criteria: ACMG Guidelines, 2015. Collection method: clinical testing. Allele origin: germline.

GeneDx
Classification: Uncertain significance. Last evaluated: 2019-01-07. Review status: criteria provided, single submitter. Criteria: GeneDx Variant Classification Process June 2021. Collection method: clinical testing. Allele origin: germline. Affected: yes.

Ambry Genetics
Classification: Uncertain significance for Cardiovascular phenotype. Last evaluated: 2013-01-22. Review status: criteria provided, single submitter. Criteria: Ambry Autosomal Dominant and X-Linked criteria (10/2015). Collection method: clinical testing. Allele origin: germline. Observed: 1 variant allele.
Comment: There is insufficient or conflicting evidence for classification of this alteration.

NM_001267550.2(TTN):c.48903G>C (p.Gln16301His)

Genes: TTN (titin; minus strand), TTN-AS1 (TTN antisense RNA 1; plus strand), LOC126806426 (BRD4-independent group 4 enhancer GRCh37_chr2:179478848-179480047; plus strand). Cytogenetic location: 2q31.2.
Variant type: single nucleotide variant.
Coding change: c.48903G>C on transcript NM_001267550.2 (MANE Select); coding-DNA position 48903, G replaced by C.
Protein change: p.Gln16301His; replaces glutamine 16301 with histidine.
Molecular consequence: missense variant. On other transcripts: non-coding transcript variant (1).
Genome position (GRCh38, 1-based): chr2:178,614,611, C>G on the plus strand (G>C on the coding strand, the complement: TTN is on the minus strand). VCF-style: chr2-178614611-C-G. GRCh37 (hg19) VCF-style: chr2-179479338-C-G.
Other names: c.43980G>C, p.Gln14660His (NM_001256850.1); c.21708G>C, p.Gln7236His (NM_003319.4); c.41199G>C, p.Gln13733His (NM_133378.4); c.22083G>C, p.Gln7361His (NM_133432.3); c.22284G>C, p.Gln7428His (NM_133437.4); short protein forms Q13733H, Q16301H, Q14660H, Q7428H, Q7236H, Q7361H.
Identifiers: ClinVar variation 263512 (VCV000263512.7), dbSNP rs886038833, ClinGen allele CA10587501.